The following is an entry in ClinVar:

NM_020070.4(IGLL1):c.5G>A (p.Arg2Lys)

Gene: IGLL1 (immunoglobulin lambda like polypeptide 1; minus strand). Cytogenetic location: 22q11.23.
Variant type: single nucleotide variant.
Coding change: c.5G>A on transcript NM_020070.4 (MANE Select); coding-DNA position 5, G replaced by A.
Protein change: p.Arg2Lys; replaces arginine 2 with lysine.
Molecular consequence: missense variant.
Genome position (GRCh38, 1-based): chr22:23,580,186, C>T on the plus strand (G>A on the coding strand, the complement: IGLL1 is on the minus strand). VCF-style: chr22-23580186-C-T. GRCh37 (hg19) VCF-style: chr22-23922373-C-T.
Other names: c.5G>A, p.Arg2Lys (NM_001369906.1, NM_152855.3); short protein forms R2K.
Identifiers: ClinVar variation 2166215 (VCV002166215.5), dbSNP rs1236663187, ClinGen allele CA410899677.
Genomic context (GRCh38, chr22:23,580,186, plus strand): 5'-TGCCTGAGGTTGGGGCCTGGCTCACCAGGGGCCTCAAGGCCCCCCTGGCCTGTCCCTGGC[C>T]TCATCGGCCCTCAGGGTCAGAGGTCCTTGTGGCCTGACTTGCAGTGTGGGCTCCCTAGAG-3'
Protein context (NP_064455.1, residues 1-12): M[Arg2Lys]PGTGQGGLEA

ClinVar aggregate classification (germline): Uncertain significance. Review status: criteria provided, multiple submitters, no conflicts (2 of 4 stars). 2 submissions from 2 submitters: Uncertain significance (2). Last evaluated 2025-08-02.

Conditions:
Agammaglobulinemia 2, autosomal recessive (AGM2). Also called: AGAMMAGLOBULINEMIA, AUTOSOMAL RECESSIVE, DUE TO IGLL1 DEFECT. Identifiers: MedGen C3150750, MONDO:0013287, OMIM 613500.

Allele frequency attached by ClinVar (database versions not stated): gnomAD exomes below 0.00001; gnomAD 0.00002; TOPMed 0.00005.
gnomAD v4.1: 9 of 1,539,002 alleles (0.00058%); highest among the groups gnomAD compares: East Asian, 0.019%; no homozygotes.

Submissions (2):

Labcorp Genetics (formerly Invitae), Labcorp
Classification: Uncertain significance for Agammaglobulinemia 2, autosomal recessive. Last evaluated: 2025-08-02. Review status: criteria provided, single submitter. Criteria: Invitae Variant Classification Sherloc (09022015). Collection method: clinical testing. Allele origin: germline.
Comment: This sequence change replaces arginine, which is basic and polar, with lysine, which is basic and polar, at codon 2 of the IGLL1 protein (p.Arg2Lys). This variant is present in population databases (no rsID available, gnomAD 0.07%), and has an allele count higher than expected for a pathogenic variant. This variant has not been reported in the literature in individuals affected with IGLL1-related conditions. ClinVar contains an entry for this variant (Variation ID: 2166215). An algorithm developed to predict the effect of missense changes on protein structure and function (PolyPhen-2) suggests that this variant is likely to be tolerated. In summary, the available evidence is currently insufficient to determine the role of this variant in disease. Therefore, it has been classified as a Variant of Uncertain Significance.

Ambry Genetics
Classification: Uncertain significance. Last evaluated: 2024-04-09. Review status: criteria provided, single submitter. Criteria: Ambry Variant Classification Scheme 2023. Collection method: clinical testing. Allele origin: germline.